The following is an entry in ClinVar:

ClinVar aggregate classification (germline): Uncertain significance. Review status: criteria provided, multiple submitters, no conflicts (2 of 4 stars). 2 submissions from 2 submitters: Uncertain significance (2). Last evaluated 2024-09-04.

Conditions:
Inborn genetic diseases. Identifiers: MedGen C0950123, MeSH D030342.

Allele frequency attached by ClinVar (database versions not stated): TOPMed below 0.00001.

Submissions (2):

Ambry Genetics
Classification: Uncertain significance for Inborn genetic diseases. Last evaluated: 2024-09-04. Review status: criteria provided, single submitter. Criteria: Ambry Variant Classification Scheme 2023. Collection method: clinical testing. Allele origin: germline.

Labcorp Genetics (formerly Invitae), Labcorp
Classification: Uncertain significance. Last evaluated: 2022-07-12. Review status: criteria provided, single submitter. Criteria: Invitae Variant Classification Sherloc (09022015). Collection method: clinical testing. Allele origin: germline.
Comment: This sequence change replaces aspartic acid, which is acidic and polar, with glycine, which is neutral and non-polar, at codon 1527 of the TRPM1 protein (p.Asp1527Gly). This variant is not present in population databases (gnomAD no frequency). This variant has not been reported in the literature in individuals affected with TRPM1-related conditions. ClinVar contains an entry for this variant (Variation ID: 1483548). Algorithms developed to predict the effect of missense changes on protein structure and function output the following: SIFT: "Tolerated"; PolyPhen-2: "Benign"; Align-GVGD: "Class C0". The glycine amino acid residue is found in multiple mammalian species, which suggests that this missense change does not adversely affect protein function. In summary, the available evidence is currently insufficient to determine the role of this variant in disease. Therefore, it has been classified as a Variant of Uncertain Significance.

NM_001252024.2(TRPM1):c.4646A>G (p.Asp1549Gly)

Gene: TRPM1 (transient receptor potential cation channel subfamily M member 1; minus strand). Cytogenetic location: 15q13.3.
Variant type: single nucleotide variant.
Coding change: c.4646A>G on transcript NM_001252024.2 (MANE Select); coding-DNA position 4646, A replaced by G.
Protein change: p.Asp1549Gly; replaces aspartic acid 1549 with glycine.
Molecular consequence: missense variant.
Genome position (GRCh38, 1-based): chr15:31,002,054, T>C on the plus strand (A>G on the coding strand, the complement: TRPM1 is on the minus strand). VCF-style: chr15-31002054-T-C. GRCh37 (hg19) VCF-style: chr15-31294257-T-C.
Other names: c.4697A>G, p.Asp1566Gly (NM_001252020.2); c.4580A>G, p.Asp1527Gly (NM_002420.6); c.4580A>G (NM_002420.4); short protein forms D1549G, D1566G, D1527G.
Identifiers: ClinVar variation 1483548 (VCV001483548.6), dbSNP rs898988023, ClinGen allele CA267496201.